The following is an entry in ClinVar:

NM_000094.4(COL7A1):c.1624C>T (p.Arg542Cys)

Gene: COL7A1 (collagen type VII alpha 1 chain; minus strand). Cytogenetic location: 3p21.31.
Variant type: single nucleotide variant.
Coding change: c.1624C>T on transcript NM_000094.4 (MANE Select); coding-DNA position 1624, C replaced by T.
Protein change: p.Arg542Cys; replaces arginine 542 with cysteine.
Molecular consequence: missense variant.
Genome position (GRCh38, 1-based): chr3:48,591,476, G>A on the plus strand (C>T on the coding strand, the complement: COL7A1 is on the minus strand). VCF-style: chr3-48591476-G-A. GRCh37 (hg19) VCF-style: chr3-48628909-G-A.
Other names: short protein forms R542C.
Identifiers: ClinVar variation 345871 (VCV000345871.6), dbSNP rs780602305, ClinGen allele CA2381168.

ClinVar aggregate classification (germline): Uncertain significance. Review status: criteria provided, multiple submitters, no conflicts (2 of 4 stars). 2 submissions from 2 submitters: Uncertain significance (2). Last evaluated 2022-10-19.

Conditions:
Epidermolysis bullosa dystrophica. Also called: Dystrophic epidermolysis bullosa, Hallopeau-Siemens type (formerly); Dystrophic epidermolysis bullosa. Identifiers: Orphanet 303, MedGen C0079294, MONDO:0006543.

Allele frequency attached by ClinVar (database versions not stated): gnomAD 0.00001; gnomAD exomes 0.00001 and 0.00005; TOPMed 0.00001; ExAC 0.00002.
gnomAD v4.1: 21 of 1,613,710 alleles (0.0013%); highest among the groups gnomAD compares: Admixed American, 0.023%; no homozygotes.

Submissions (2):

Labcorp Genetics (formerly Invitae), Labcorp
Classification: Uncertain significance. Last evaluated: 2022-10-19. Review status: criteria provided, single submitter. Criteria: Invitae Variant Classification Sherloc (09022015). Collection method: clinical testing. Allele origin: germline.
Comment: This sequence change replaces arginine, which is basic and polar, with cysteine, which is neutral and slightly polar, at codon 542 of the COL7A1 protein (p.Arg542Cys). This variant is present in population databases (rs780602305, gnomAD 0.03%). This variant has not been reported in the literature in individuals affected with COL7A1-related conditions. ClinVar contains an entry for this variant (Variation ID: 345871). Advanced modeling of protein sequence and biophysical properties (such as structural, functional, and spatial information, amino acid conservation, physicochemical variation, residue mobility, and thermodynamic stability) has been performed at Invitae for this missense variant, however the output from this modeling did not meet the statistical confidence thresholds required to predict the impact of this variant on COL7A1 protein function. In summary, the available evidence is currently insufficient to determine the role of this variant in disease. Therefore, it has been classified as a Variant of Uncertain Significance.

Illumina Laboratory Services, Illumina
Classification: Uncertain significance for Dystrophic epidermolysis bullosa. Last evaluated: 2018-01-13. Review status: criteria provided, single submitter. Criteria: ICSL Variant Classification Criteria 13 December 2019. Collection method: clinical testing. Allele origin: germline.